The following is an entry in ClinVar:

ClinVar aggregate classification (germline): Benign. Review status: criteria provided, multiple submitters, no conflicts (2 of 4 stars). 5 submissions from 5 submitters: Benign (4). 1 of the submissions does not count toward it. Last evaluated 2021-07-15.

Conditions:
SLC6A20-related disorder. Also called: SLC6A20-related condition.
Hyperglycinuria. Also called: GLYCINURIA WITH OR WITHOUT OXALATE NEPHROLITHIASIS; GLYCINURIA WITH OR WITHOUT OXALATE UROLITHIASIS; IMINOGLYCINURIA TYPE II. Identifiers: MedGen C0543541, MONDO:0007677, OMIM 138500, HP:0003108.

Allele frequency attached by ClinVar (database versions not stated): 1000 Genomes Project 0.94888; 1000 Genomes Project 30x 0.95097; gnomAD exomes 0.95428 and 0.95667; ExAC 0.95651; gnomAD 0.96010 and 0.96062; TOPMed 0.96060; ESP Exome Variant Server 0.96171.

Submissions (5):

Genome-Nilou Lab
Classification: Benign for Hyperglycinuria. Last evaluated: 2021-07-15. Review status: criteria provided, single submitter. Criteria: ACMG Guidelines, 2015. Collection method: clinical testing. Allele origin: germline. Affected: no.

GeneDx
Classification: Benign. Last evaluated: 2021-05-04. Review status: criteria provided, single submitter. Criteria: GeneDx Variant Classification Process June 2021. Collection method: clinical testing. Allele origin: germline. Affected: yes.

Illumina Laboratory Services, Illumina
Classification: Benign for Hyperglycinuria. Last evaluated: 2018-01-12. Review status: criteria provided, single submitter. Criteria: ICSL Variant Classification Criteria 13 December 2019. Collection method: clinical testing. Allele origin: germline.
Comment: This variant was observed in the ICSL laboratory as part of a predisposition screen in an ostensibly healthy population. It had not been previously curated by ICSL or reported in the Human Gene Mutation Database (HGMD: prior to June 1st, 2018), and was therefore a candidate for classification through an automated scoring system. Utilizing variant allele frequency, disease prevalence and penetrance estimates, and inheritance mode, an automated score was calculated to assess if this variant is too frequent to cause the disease. Based on the score and internal cut-off values, a variant classified as benign is not then subjected to further curation. The score for this variant resulted in a classification of benign for this disease.

Breakthrough Genomics
Classification: Benign. Review status: criteria provided, single submitter. Criteria: ACMG Guidelines, 2015. Collection method: not provided. Allele origin: germline. Inheritance: Autosomal recessive inheritance. Affected: yes.

PreventionGenetics, part of Exact Sciences
Classification: Benign for SLC6A20-related condition. Last evaluated: 2019-09-24. Review status: no assertion criteria provided. Collection method: clinical testing. Allele origin: germline. Not counted in ClinVar's aggregate classification.
Comment: This variant is classified as benign based on ACMG/AMP sequence variant interpretation guidelines (Richards et al. 2015 PMID: 25741868, with internal and published modifications).

NM_020208.4(SLC6A20):c.417T>C (p.Cys139=)

Gene: SLC6A20 (solute carrier family 6 member 20; minus strand). Cytogenetic location: 3p21.31.
Variant type: single nucleotide variant.
Coding change: c.417T>C on transcript NM_020208.4 (MANE Select); coding-DNA position 417, T replaced by C.
Protein change: p.Cys139=; no amino-acid change (cysteine 139 retained).
Molecular consequence: synonymous variant.
Genome position (GRCh38, 1-based): chr3:45,775,926, A>G on the plus strand (T>C on the coding strand, the complement: SLC6A20 is on the minus strand). VCF-style: chr3-45775926-A-G. GRCh37 (hg19) VCF-style: chr3-45817418-A-G.
Other names: c.417T>C, p.Cys139= (NM_022405.4).
Identifiers: ClinVar variation 345420 (VCV000345420.12), dbSNP rs758386, ClinGen allele CA2351622.